The following is an entry in ClinVar:

NM_000553.6(WRN):c.968C>T (p.Ser323Leu)

Gene: WRN (WRN RecQ like helicase; plus strand). Cytogenetic location: 8p12.
Variant type: single nucleotide variant.
Coding change: c.968C>T on transcript NM_000553.6 (MANE Select); coding-DNA position 968, C replaced by T.
Protein change: p.Ser323Leu; replaces serine 323 with leucine.
Molecular consequence: missense variant.
Genome position (GRCh38, 1-based): chr8:31,080,995, C>T. VCF-style: chr8-31080995-C-T. GRCh37 (hg19) VCF-style: chr8-30938511-C-T.
Other names: short protein forms S323L.
Identifiers: ClinVar variation 135451 (VCV000135451.11), dbSNP rs369277330, ClinGen allele CA162803.

ClinVar aggregate classification (germline): Conflicting classifications of pathogenicity. Review status: criteria provided, conflicting classifications (1 of 4 stars). 5 submissions from 5 submitters: Uncertain significance (3); Likely benign (1). 1 of the submissions does not count toward it. Last evaluated 2026-01-28.

Conditions:
Inborn genetic diseases. Identifiers: MedGen C0950123, MeSH D030342.
Werner syndrome (WRN). Identifiers: Orphanet 902, MedGen C0043119, MONDO:0010196, OMIM 277700.

Allele frequency attached by ClinVar (database versions not stated): gnomAD exomes 0.00001; ExAC 0.00002; TOPMed 0.00002; gnomAD 0.00001.

Submissions (5):

Labcorp Genetics (formerly Invitae), Labcorp
Classification: Likely benign for Werner syndrome. Last evaluated: 2026-01-28. Review status: criteria provided, single submitter. Criteria: Invitae Variant Classification Sherloc (09022015). Collection method: clinical testing. Allele origin: germline.

Ambry Genetics
Classification: Uncertain significance for Inborn genetic diseases. Last evaluated: 2025-09-01. Review status: criteria provided, single submitter. Criteria: Ambry Variant Classification Scheme 2023. Collection method: clinical testing. Allele origin: germline.

Department of Pathology and Laboratory Medicine, Sinai Health System
Classification: Uncertain significance for Werner syndrome. Last evaluated: 2022-09-12. Review status: criteria provided, single submitter. Criteria: ACMG Guidelines, 2015. Collection method: research. Allele origin: germline.

GeneDx
Classification: Uncertain significance. Last evaluated: 2022-06-14. Review status: criteria provided, single submitter. Criteria: GeneDx Variant Classification Process June 2021. Collection method: clinical testing. Allele origin: germline. Affected: yes.
Comment: In silico analysis supports that this missense variant does not alter protein structure/function; Has not been previously published as pathogenic or benign to our knowledge; This variant is associated with the following publications: (PMID: 24728327)

ITMI
No classification provided. Condition: AllHighlyPenetrant. Last evaluated: 2013-09-19. Review status: no classification provided. Collection method: reference population. Allele origin: germline. Not counted in ClinVar's aggregate classification.
Comment: Please see associated publication for description of ethnicities

Literature cited by the submitters: PubMed 24728327 (cited by ITMI).